The following is an entry in ClinVar:

ClinVar aggregate classification (germline): Uncertain significance. Review status: criteria provided, single submitter (1 of 4 stars). 2 submissions from 2 submitters: Uncertain significance (1). 1 of the submissions does not count toward it. Last evaluated 2026-06-12.

Conditions:
WDFY3-related disorder.

Allele frequency attached by ClinVar (database versions not stated): TOPMed below 0.00001; gnomAD 0.00001; gnomAD exomes 0.00001.

Submissions (2):

GeneDx
Classification: Uncertain significance. Last evaluated: 2026-06-12. Review status: criteria provided, single submitter. Criteria: GeneDx Variant Classification Process June 2021. Collection method: clinical testing. Allele origin: germline.
Comment: Not observed at significant frequency in large population cohorts (gnomAD); Nonsense variant predicted to result in protein truncation as the last 54 amino acids are lost, although loss-of-function variants have not been reported downstream of this position in the protein; This variant is associated with the following publications: (PMID: 38958063)

PreventionGenetics, part of Exact Sciences
Classification: Uncertain significance for WDFY3-related condition. Last evaluated: 2024-09-03. Review status: no assertion criteria provided. Collection method: clinical testing. Allele origin: germline. Not counted in ClinVar's aggregate classification.
Comment: The WDFY3 c.10417C>T variant is predicted to result in premature protein termination (p.Arg3473*). However, this variant occurs near the 3-prime end of the penultimate exon and may not result in nonsense-mediated decay. To our knowledge, this variant has not been reported in the literature or in a large population database, indicating it is rare. Premature termination variants have been reported in subjects with WDFY3-related disease; however, to our knowledge this variant is downstream of all published variants of this type. Although we suspect that this variant may be pathogenic, at this time, the clinical significance is uncertain due to the absence of conclusive functional and genetic evidence.

NM_014991.6(WDFY3):c.10417C>T (p.Arg3473Ter)

Gene: WDFY3 (WD repeat and FYVE domain containing 3; minus strand). Cytogenetic location: 4q21.23.
Variant type: single nucleotide variant.
Coding change: c.10417C>T on transcript NM_014991.6 (MANE Select); coding-DNA position 10417, C replaced by T.
Protein change: p.Arg3473Ter; replaces arginine 3473 with a stop codon.
Molecular consequence: nonsense.
Genome position (GRCh38, 1-based): chr4:84,677,239, G>A on the plus strand (C>T on the coding strand, the complement: WDFY3 is on the minus strand). VCF-style: chr4-84677239-G-A. GRCh37 (hg19) VCF-style: chr4-85598392-G-A.
Other names: short protein forms R3473*.
Identifiers: ClinVar variation 2629160 (VCV002629160.5), dbSNP rs1411362648, ClinGen allele CA357264831.